The following is an entry in ClinVar:

NM_181703.4(GJA5):c.73T>C (p.Trp25Arg)

Gene: GJA5 (gap junction protein alpha 5; minus strand). Cytogenetic location: 1q21.2.
Variant type: single nucleotide variant.
Coding change: c.73T>C on transcript NM_181703.4 (MANE Select); coding-DNA position 73, T replaced by C.
Protein change: p.Trp25Arg; replaces tryptophan 25 with arginine.
Molecular consequence: missense variant.
Genome position (GRCh38, 1-based): chr1:147,759,166, A>G on the plus strand (T>C on the coding strand, the complement: GJA5 is on the minus strand). VCF-style: chr1-147759166-A-G. GRCh37 (hg19) VCF-style: chr1-147231274-A-G.
Other names: c.73T>C, p.Trp25Arg (NM_005266.7); short protein forms W25R.
Identifiers: ClinVar variation 3758417 (VCV003758417.2).
Genomic context (GRCh38, chr1:147,759,166, plus strand): 5'-AGGAAGACTCAGCAGCTGTGCCCAGCACGAGCATACGGAATATGAAGAGGACAGTGAGCC[A>G]GACCTTGCCTACCACGGTCGAGTGCTTGTGTACTTCCTCCAGGAAATTTCCCAGGAAGCT-3'
Protein context (NP_859054.1, residues 15-35): HKHSTVVGKV[Trp25Arg]LTVLFIFRML

ClinVar aggregate classification (germline): Uncertain significance (1 of 4 stars; one submission).

Conditions:
Atrial fibrillation, familial, 11 (ATFB11). Identifiers: MedGen C3279693, MONDO:0013544, OMIM 614049.
Atrial standstill 1 (ATRST1). Also called: ATRIAL CARDIOMYOPATHY WITH HEART BLOCK; CARDIOMYOPATHY, FAMILIAL, WITH CONDUCTION DISTURBANCE; Atrial standstill, digenic (GJA5/SCN5A). Identifiers: Orphanet 1344, MedGen C4551959, MONDO:0007171, OMIM 108770.

Submission:

Labcorp Genetics (formerly Invitae), Labcorp
Classification: Uncertain significance for Atrial fibrillation, familial, 11; Atrial standstill 1. Last evaluated: 2024-10-22. Review status: criteria provided, single submitter. Criteria: Invitae Variant Classification Sherloc (09022015). Collection method: clinical testing. Allele origin: germline.
Comment: This sequence change replaces tryptophan, which is neutral and slightly polar, with arginine, which is basic and polar, at codon 25 of the GJA5 protein (p.Trp25Arg). This variant is not present in population databases (gnomAD no frequency). This variant has not been reported in the literature in individuals affected with GJA5-related conditions. Invitae Evidence Modeling of protein sequence and biophysical properties (such as structural, functional, and spatial information, amino acid conservation, physicochemical variation, residue mobility, and thermodynamic stability) indicates that this missense variant is expected to disrupt GJA5 protein function with a positive predictive value of 80%. In summary, the available evidence is currently insufficient to determine the role of this variant in disease. Therefore, it has been classified as a Variant of Uncertain Significance.